The following is an entry in ClinVar:

NM_013352.4(DSE):c.2608C>T (p.His870Tyr)

Gene: DSE (dermatan sulfate epimerase; plus strand). Cytogenetic location: 6q22.1.
Variant type: single nucleotide variant.
Coding change: c.2608C>T on transcript NM_013352.4 (MANE Select); coding-DNA position 2608, C replaced by T.
Protein change: p.His870Tyr; replaces histidine 870 with tyrosine.
Molecular consequence: missense variant. On other transcripts: 3 prime UTR variant (2), non-coding transcript variant (1).
Genome position (GRCh38, 1-based): chr6:116,437,076, C>T. VCF-style: chr6-116437076-C-T. GRCh37 (hg19) VCF-style: chr6-116758239-C-T.
Other names: c.2608C>T, p.His870Tyr (NM_001080976.3, NM_001322937.2, NM_001322938.2); c.2665C>T, p.His889Tyr (NM_001322939.2); c.2047C>T, p.His683Tyr (NM_001322940.2, NM_001322941.2); c.*1473C>T (NM_001322943.2, NM_001322944.2); c.1609C>T, p.His537Tyr (NM_001374520.1); c.1573C>T, p.His525Tyr (NM_001374521.1); short protein forms H889Y, H525Y, H683Y, H537Y, H870Y.
Identifiers: ClinVar variation 2313882 (VCV002313882.4), dbSNP rs746254694, ClinGen allele CA3969843.

ClinVar aggregate classification (germline): Uncertain significance. Review status: criteria provided, multiple submitters, no conflicts (2 of 4 stars). 2 submissions from 2 submitters: Uncertain significance (2). Last evaluated 2025-10-30.

Conditions:
Inborn genetic diseases. Identifiers: MedGen C0950123, MeSH D030342.

Allele frequency attached by ClinVar (database versions not stated): ExAC 0.00004; TOPMed below 0.00001; gnomAD 0.00001; gnomAD exomes 0.00002.
gnomAD v4.1: 29 of 1,613,752 alleles (0.0018%); highest among the groups gnomAD compares: South Asian, 0.031%; no homozygotes.

Submissions (2):

Ambry Genetics
Classification: Uncertain significance for Inborn genetic diseases. Last evaluated: 2025-10-30. Review status: criteria provided, single submitter. Criteria: Ambry Variant Classification Scheme 2023. Collection method: clinical testing. Allele origin: germline.

GeneDx
Classification: Uncertain significance. Last evaluated: 2023-07-27. Review status: criteria provided, single submitter. Criteria: GeneDx Variant Classification Process June 2021. Collection method: clinical testing. Allele origin: germline. Affected: yes.
Comment: In silico analysis supports that this missense variant does not alter protein structure/function; Has not been previously published as pathogenic or benign to our knowledge